The following is an entry in ClinVar:

ClinVar aggregate classification (germline): Uncertain significance. Review status: criteria provided, multiple submitters, no conflicts (2 of 4 stars). 3 submissions from 3 submitters: Uncertain significance (3). Last evaluated 2025-07-02.

Conditions:
Inborn genetic diseases. Identifiers: MedGen C0950123, MeSH D030342.
Focal segmental glomerulosclerosis 9 (FSGS9). Identifiers: Orphanet 656, MedGen C4015555, MONDO:0014539, OMIM 616220.

Allele frequency attached by ClinVar (database versions not stated): gnomAD exomes 0.00001; gnomAD 0.00002 and 0.00003; TOPMed 0.00002.
gnomAD v4.1: 16 of 1,483,008 alleles (0.0011%); highest among the groups gnomAD compares: Admixed American, 0.012%; no homozygotes.

Submissions (3):

Ambry Genetics
Classification: Uncertain significance for Inborn genetic diseases. Last evaluated: 2025-07-02. Review status: criteria provided, single submitter. Criteria: Ambry Variant Classification Scheme 2023. Collection method: clinical testing. Allele origin: germline.

Labcorp Genetics (formerly Invitae), Labcorp
Classification: Uncertain significance. Last evaluated: 2025-04-28. Review status: criteria provided, single submitter. Criteria: Invitae Variant Classification Sherloc (09022015). Collection method: clinical testing. Allele origin: germline.
Comment: This sequence change replaces alanine, which is neutral and non-polar, with valine, which is neutral and non-polar, at codon 914 of the CRB2 protein (p.Ala914Val). The frequency data for this variant in the population databases is considered unreliable, as metrics indicate poor data quality at this position in the gnomAD database. This variant has not been reported in the literature in individuals affected with CRB2-related conditions. ClinVar contains an entry for this variant (Variation ID: 1033208). Invitae Evidence Modeling of protein sequence and biophysical properties (such as structural, functional, and spatial information, amino acid conservation, physicochemical variation, residue mobility, and thermodynamic stability) indicates that this missense variant is not expected to disrupt CRB2 protein function with a negative predictive value of 80%. In summary, the available evidence is currently insufficient to determine the role of this variant in disease. Therefore, it has been classified as a Variant of Uncertain Significance.

Baylor Genetics
Classification: Uncertain significance for Focal segmental glomerulosclerosis 9. Last evaluated: 2018-04-19. Review status: criteria provided, single submitter. Criteria: ACMG Guidelines, 2015. Collection method: clinical testing. Allele origin: unknown. Affected: yes.
Comment: This variant was determined to be of uncertain significance according to ACMG Guidelines, 2015 [PMID:25741868].

NM_173689.7(CRB2):c.2741C>T (p.Ala914Val)

Gene: CRB2 (crumbs cell polarity complex component 2; plus strand). Cytogenetic location: 9q33.3.
Variant type: single nucleotide variant.
Coding change: c.2741C>T on transcript NM_173689.7 (MANE Select); coding-DNA position 2741, C replaced by T.
Protein change: p.Ala914Val; replaces alanine 914 with valine.
Molecular consequence: missense variant. On other transcripts: non-coding transcript variant (1).
Genome position (GRCh38, 1-based): chr9:123,373,272, C>T. VCF-style: chr9-123373272-C-T. GRCh37 (hg19) VCF-style: chr9-126135551-C-T.
Other names: short protein forms A914V.
Identifiers: ClinVar variation 1033208 (VCV001033208.7), dbSNP rs1221877694, ClinGen allele CA374867338.